The following is an entry in ClinVar:

ClinVar aggregate classification (germline): Uncertain significance (1 of 4 stars; one submission).

Conditions:
Palmoplantar keratoderma, epidermolytic, 2 (EPPK2). Also called: KERATOSIS OF GREITHER; GREITHER SYNDROME. Identifiers: MedGen C2936837, MONDO:0957303, OMIM 620411.

Submission:

OLLIN Analises Genomicas, OLLIN
Classification: Uncertain significance for Palmoplantar keratoderma, epidermolytic, 2. Last evaluated: 2026-08-06. Review status: criteria provided, single submitter. Criteria: ACMG Guidelines 2015 PMID 25741868. Collection method: clinical testing. Allele origin: germline.
Comment: This missense variant, located in exon 7 (of 9), is absent from gnomAD and ClinVar and has not been identified in the literature. In silico analysis predicts that this variant has a deleterious effect. This variant is located in a region considered to be a mutational hotspot. According to the currently available evidence, this variant has been classified as uncertain significance (PM1, PM2_P, PP3_M).

NM_006121.4(KRT1):c.1474A>G (p.Arg492Gly)

Gene: KRT1 (keratin 1; minus strand). Cytogenetic location: 12q13.13.
Variant type: single nucleotide variant.
Coding change: c.1474A>G on transcript NM_006121.4 (MANE Select); coding-DNA position 1474, A replaced by G.
Protein change: p.Arg492Gly; replaces arginine 492 with glycine.
Molecular consequence: missense variant.
Genome position (GRCh38, 1-based): chr12:52,676,276, T>C on the plus strand (A>G on the coding strand, the complement: KRT1 is on the minus strand). VCF-style: chr12-52676276-T-C. GRCh37 (hg19) VCF-style: chr12-53070060-T-C.
Other names: short protein forms R492G.
Identifiers: ClinVar variation 5002963 (VCV005002963.1).